The following is an entry in ClinVar:

NM_001035.3(RYR2):c.7028T>A (p.Leu2343His)

Gene: RYR2 (ryanodine receptor 2; plus strand). Cytogenetic location: 1q43.
Variant type: single nucleotide variant.
Coding change: c.7028T>A on transcript NM_001035.3 (MANE Select); coding-DNA position 7028, T replaced by A.
Protein change: p.Leu2343His; replaces leucine 2343 with histidine.
Molecular consequence: missense variant.
Genome position (GRCh38, 1-based): chr1:237,639,114, T>A. VCF-style: chr1-237639114-T-A. GRCh37 (hg19) VCF-style: chr1-237802414-T-A.
Other names: short protein forms L2343H.
Identifiers: ClinVar variation 4775441 (VCV004775441.1).

ClinVar aggregate classification (germline): Uncertain significance (1 of 4 stars; one submission).

Conditions:
Catecholaminergic polymorphic ventricular tachycardia 1. Also called: VENTRICULAR TACHYCARDIA, STRESS-INDUCED POLYMORPHIC 1; RYR2-Related Catecholaminergic Polymorphic Ventricular Tachycardia; VENTRICULAR TACHYCARDIA, CATECHOLAMINERGIC POLYMORPHIC, 1, WITH OR WITHOUT ATRIAL DYSFUNCTION AND/OR DILATED CARDIOMYOPATHY. Identifiers: Orphanet 3286, MedGen C1631597, MONDO:0011484, OMIM 604772.

Submission:

Labcorp Genetics (formerly Invitae), Labcorp
Classification: Uncertain significance for Catecholaminergic polymorphic ventricular tachycardia 1. Last evaluated: 2025-05-14. Review status: criteria provided, single submitter. Criteria: Invitae Variant Classification Sherloc (09022015). Collection method: clinical testing. Allele origin: germline.
Comment: This sequence change replaces leucine, which is neutral and non-polar, with histidine, which is basic and polar, at codon 2343 of the RYR2 protein (p.Leu2343His). This variant is not present in population databases (gnomAD no frequency). This variant has not been reported in the literature in individuals affected with RYR2-related conditions. Invitae Evidence Modeling of protein sequence and biophysical properties (such as structural, functional, and spatial information, amino acid conservation, physicochemical variation, residue mobility, and thermodynamic stability) indicates that this missense variant is expected to disrupt RYR2 protein function with a positive predictive value of 95%. In summary, the available evidence is currently insufficient to determine the role of this variant in disease. Therefore, it has been classified as a Variant of Uncertain Significance.